The following is an entry in ClinVar:

NM_003676.4(DEGS1):c.61G>C (p.Asp21His)

Gene: DEGS1 (delta 4-desaturase, sphingolipid 1; plus strand). Cytogenetic location: 1q42.11.
Variant type: single nucleotide variant.
Coding change: c.61G>C on transcript NM_003676.4 (MANE Select); coding-DNA position 61, G replaced by C.
Protein change: p.Asp21His; replaces aspartic acid 21 with histidine.
Molecular consequence: missense variant.
Genome position (GRCh38, 1-based): chr1:224,183,397, G>C. VCF-style: chr1-224183397-G-C. GRCh37 (hg19) VCF-style: chr1-224371099-G-C.
Other names: c.61G>C, p.Asp21His (NM_001321541.2); short protein forms D21H.
Identifiers: ClinVar variation 2117024 (VCV002117024.4), dbSNP rs953781515, ClinGen allele CA344707569.

ClinVar aggregate classification (germline): Uncertain significance (1 of 4 stars; one submission).

Submission:

Labcorp Genetics (formerly Invitae), Labcorp
Classification: Uncertain significance. Last evaluated: 2024-10-25. Review status: criteria provided, single submitter. Criteria: Invitae Variant Classification Sherloc (09022015). Collection method: clinical testing. Allele origin: germline.
Comment: This sequence change replaces aspartic acid, which is acidic and polar, with histidine, which is basic and polar, at codon 21 of the DEGS1 protein (p.Asp21His). This variant is not present in population databases (gnomAD no frequency). This variant has not been reported in the literature in individuals affected with DEGS1-related conditions. ClinVar contains an entry for this variant (Variation ID: 2117024). Invitae Evidence Modeling of protein sequence and biophysical properties (such as structural, functional, and spatial information, amino acid conservation, physicochemical variation, residue mobility, and thermodynamic stability) indicates that this missense variant is not expected to disrupt DEGS1 protein function with a negative predictive value of 80%. In summary, the available evidence is currently insufficient to determine the role of this variant in disease. Therefore, it has been classified as a Variant of Uncertain Significance.